The following is an entry in ClinVar:

ClinVar aggregate classification (germline): Uncertain significance. Review status: criteria provided, multiple submitters, no conflicts (2 of 4 stars). 2 submissions from 2 submitters: Uncertain significance (2). Last evaluated 2022-07-21.

Conditions:
Neuronal ceroid lipofuscinosis. Also called: Neuronal Ceroid Lipofuscinoses. Identifiers: Orphanet 216, Orphanet 79263, MedGen C0027877, MONDO:0016295. Disease mechanism: loss of function.
Neuronal ceroid lipofuscinosis 10 (CLN10). Also called: CTSD-Related Neuronal Ceroid-Lipofuscinosis; NEURONAL CEROID LIPOFUSCINOSIS DUE TO CATHEPSIN D DEFICIENCY. Identifiers: Orphanet 228337, MedGen C1864669, MONDO:0012414, OMIM 610127.

Allele frequency attached by ClinVar (database versions not stated): gnomAD exomes below 0.00001.
gnomAD v4.1: 1 of 1,613,580 alleles (0.000062%); highest among the groups gnomAD compares: Non-Finnish European, 0.000085%; no homozygotes.

Submissions (2):

Labcorp Genetics (formerly Invitae), Labcorp
Classification: Uncertain significance for Neuronal ceroid lipofuscinosis. Last evaluated: 2022-07-21. Review status: criteria provided, single submitter. Criteria: Invitae Variant Classification Sherloc (09022015). Collection method: clinical testing. Allele origin: germline.
Comment: This sequence change replaces lysine, which is basic and polar, with arginine, which is basic and polar, at codon 345 of the CTSD protein (p.Lys345Arg). This variant is not present in population databases (gnomAD no frequency). This variant has not been reported in the literature in individuals affected with CTSD-related conditions. ClinVar contains an entry for this variant (Variation ID: 877668). Algorithms developed to predict the effect of missense changes on protein structure and function output the following: SIFT: "Tolerated"; PolyPhen-2: "Benign"; Align-GVGD: "Class C0". The arginine amino acid residue is found in multiple mammalian species, which suggests that this missense change does not adversely affect protein function. In summary, the available evidence is currently insufficient to determine the role of this variant in disease. Therefore, it has been classified as a Variant of Uncertain Significance.

Illumina Laboratory Services, Illumina
Classification: Uncertain significance for Neuronal ceroid lipofuscinosis 10. Last evaluated: 2018-01-12. Review status: criteria provided, single submitter. Criteria: ICSL Variant Classification Criteria 13 December 2019. Collection method: clinical testing. Allele origin: germline.

NM_001909.5(CTSD):c.1034A>G (p.Lys345Arg)

Gene: CTSD (cathepsin D; minus strand). Cytogenetic location: 11p15.5.
Variant type: single nucleotide variant.
Coding change: c.1034A>G on transcript NM_001909.5 (MANE Select); coding-DNA position 1034, A replaced by G.
Protein change: p.Lys345Arg; replaces lysine 345 with arginine.
Molecular consequence: missense variant.
Genome position (GRCh38, 1-based): chr11:1,753,840, T>C on the plus strand (A>G on the coding strand, the complement: CTSD is on the minus strand). VCF-style: chr11-1753840-T-C. GRCh37 (hg19) VCF-style: chr11-1775070-T-C.
Other names: short protein forms K345R.
Identifiers: ClinVar variation 877668 (VCV000877668.7), dbSNP rs1845759906, ClinGen allele CA379093161.